The following is an entry in ClinVar:

ClinVar aggregate classification (germline): Uncertain significance (1 of 4 stars; one submission).

Allele frequency attached by ClinVar (database versions not stated): gnomAD 0.00001; gnomAD exomes 0.00001; ExAC 0.00002.
gnomAD v4.1: 6 of 1,208,888 alleles (0.0005%); highest among the groups gnomAD compares: Admixed American, 0.013%; no homozygotes.

Submission:

Labcorp Genetics (formerly Invitae), Labcorp
Classification: Uncertain significance. Last evaluated: 2022-07-06. Review status: criteria provided, single submitter. Criteria: Invitae Variant Classification Sherloc (09022015). Collection method: clinical testing. Allele origin: germline.
Comment: In summary, the available evidence is currently insufficient to determine the role of this variant in disease. Therefore, it has been classified as a Variant of Uncertain Significance. Algorithms developed to predict the effect of missense changes on protein structure and function (SIFT, PolyPhen-2, Align-GVGD) all suggest that this variant is likely to be disruptive. This variant has not been reported in the literature in individuals affected with CACNA1F-related conditions. This variant is present in population databases (rs782693307, gnomAD 0.02%). This sequence change replaces threonine, which is neutral and polar, with alanine, which is neutral and non-polar, at codon 1007 of the CACNA1F protein (p.Thr1007Ala).

NM_001256789.3(CACNA1F):c.2986A>G (p.Thr996Ala)

Gene: CACNA1F (calcium voltage-gated channel subunit alpha1 F; minus strand). Cytogenetic location: Xp11.23.
Variant type: single nucleotide variant.
Coding change: c.2986A>G on transcript NM_001256789.3 (MANE Select); coding-DNA position 2986, A replaced by G.
Protein change: p.Thr996Ala; replaces threonine 996 with alanine.
Molecular consequence: missense variant.
Genome position (GRCh38, 1-based): chrX:49,217,948, T>C on the plus strand (A>G on the coding strand, the complement: CACNA1F is on the minus strand). VCF-style: chrX-49217948-T-C. GRCh37 (hg19) VCF-style: chrX-49074407-T-C.
Other names: c.2824A>G, p.Thr942Ala (NM_001256790.3); c.3019A>G, p.Thr1007Ala (NM_005183.4); short protein forms T1007A, T996A, T942A.
Identifiers: ClinVar variation 1955971 (VCV001955971.5), dbSNP rs782693307, ClinGen allele CA10410562.